The following is an entry in ClinVar:

ClinVar aggregate classification (germline): Uncertain significance. Review status: criteria provided, multiple submitters, no conflicts (2 of 4 stars). 3 submissions from 3 submitters: Uncertain significance (3). Last evaluated 2023-07-21.

Conditions:
Hereditary cancer-predisposing syndrome. Also called: Hereditary neoplastic syndrome; Neoplastic Syndromes, Hereditary; Hereditary Cancer Syndrome; Tumor predisposition. Identifiers: Orphanet 140162, MedGen C0027672, MeSH D009386, MONDO:0015356.
Familial cancer of breast. Also called: Hereditary breast cancer; BREAST CANCER, FAMILIAL; hereditary breast carcinoma. Identifiers: Orphanet 227535, MedGen C0346153, MONDO:0016419, OMIM 114480. Disease mechanism: loss of function.

Allele frequency attached by ClinVar (database versions not stated): gnomAD exomes below 0.00001.
gnomAD v4.1: 1 of 1,614,154 alleles (0.000062%); highest among the groups gnomAD compares: Non-Finnish European, 0.000085%; no homozygotes.

Submissions (3):

Ambry Genetics
Classification: Uncertain significance for Hereditary cancer-predisposing syndrome. Last evaluated: 2023-07-21. Review status: criteria provided, single submitter. Criteria: Ambry Variant Classification Scheme 2023. Collection method: clinical testing. Allele origin: germline.
Comment: The p.Y139C variant (also known as c.416A>G), located in coding exon 2 of the CHEK2 gene, results from an A to G substitution at nucleotide position 416. The tyrosine at codon 139 is replaced by cysteine, an amino acid with highly dissimilar properties. This amino acid position is highly conserved in available vertebrate species. In addition, this alteration is predicted to be deleterious by in silico analysis. Since supporting evidence is limited at this time, the clinical significance of this alteration remains unclear.

Labcorp Genetics (formerly Invitae), Labcorp
Classification: Uncertain significance for Familial cancer of breast. Last evaluated: 2022-12-11. Review status: criteria provided, single submitter. Criteria: Invitae Variant Classification Sherloc (09022015). Collection method: clinical testing. Allele origin: germline.
Comment: Algorithms developed to predict the effect of missense changes on protein structure and function (SIFT, PolyPhen-2, Align-GVGD) all suggest that this variant is likely to be disruptive. In summary, the available evidence is currently insufficient to determine the role of this variant in disease. Therefore, it has been classified as a Variant of Uncertain Significance. ClinVar contains an entry for this variant (Variation ID: 128074). This sequence change replaces tyrosine, which is neutral and polar, with cysteine, which is neutral and slightly polar, at codon 139 of the CHEK2 protein (p.Tyr139Cys). This variant is not present in population databases (gnomAD no frequency). This variant has not been reported in the literature in individuals affected with CHEK2-related conditions.

GeneDx
Classification: Uncertain significance. Last evaluated: 2020-02-11. Review status: criteria provided, single submitter. Criteria: GeneDx Variant Classification Process June 2021. Collection method: clinical testing. Allele origin: germline. Affected: yes.
Comment: Not observed in large population cohorts (Lek 2016); In silico analysis supports that this missense variant has a deleterious effect on protein structure/function; Has not been previously published as pathogenic or benign to our knowledge

NM_007194.4(CHEK2):c.416A>G (p.Tyr139Cys)

Gene: CHEK2 (checkpoint kinase 2; minus strand). Cytogenetic location: 22q12.1.
Variant type: single nucleotide variant.
Coding change: c.416A>G on transcript NM_007194.4 (MANE Select); coding-DNA position 416, A replaced by G.
Protein change: p.Tyr139Cys; replaces tyrosine 139 with cysteine.
Molecular consequence: missense variant.
Genome position (GRCh38, 1-based): chr22:28,725,271, T>C on the plus strand (A>G on the coding strand, the complement: CHEK2 is on the minus strand). VCF-style: chr22-28725271-T-C. GRCh37 (hg19) VCF-style: chr22-29121259-T-C.
Other names: p.Y139C:TAC>TGC; c.545A>G, p.Tyr182Cys (NM_001005735.3); c.-362A>G (NM_001257387.3); c.416A>G, p.Tyr139Cys (NM_001349956.3, NM_145862.3); short protein forms Y139C, Y182C.
Identifiers: ClinVar variation 128074 (VCV000128074.16), dbSNP rs587780182, ClinGen allele CA288307.
Genomic context (GRCh38, chr22:28,725,271, plus strand): 5'-CTCTCCTAGATACATGGGTATTCATTACCTACCCTGAAAATCCGAAAGTGTTTCTTGCTG[T>C]ATGTTCGGTATTTATCTGTTCTTTTCAGCAGTGGTTCATCAAAGCAATATTCACAGCTTT-3'
Protein context (NP_009125.1, residues 129-149): LLKRTDKYRT[Tyr139Cys]SKKHFRIFRE